The following is an entry in ClinVar:

NM_001754.5(RUNX1):c.1280G>C (p.Arg427Pro)

Gene: RUNX1 (RUNX family transcription factor 1; minus strand). Cytogenetic location: 21q22.12.
Variant type: single nucleotide variant.
Coding change: c.1280G>C on transcript NM_001754.5 (MANE Select); coding-DNA position 1280, G replaced by C.
Protein change: p.Arg427Pro; replaces arginine 427 with proline.
Molecular consequence: missense variant.
Genome position (GRCh38, 1-based): chr21:34,792,298, C>G on the plus strand (G>C on the coding strand, the complement: RUNX1 is on the minus strand). VCF-style: chr21-34792298-C-G. GRCh37 (hg19) VCF-style: chr21-36164595-C-G.
Other names: NM_001754.5(RUNX1):c.1280G>C; p.Arg427Pro; c.1199G>C, p.Arg400Pro (NM_001001890.3); short protein forms R400P, R427P.
Identifiers: ClinVar variation 2089328 (VCV002089328.5), dbSNP rs1060502577, ClinGen allele CA410147522.

ClinVar aggregate classification (germline): Uncertain significance. Review status: reviewed by expert panel (3 of 4 stars). 2 submissions from 2 submitters: Uncertain significance (1). 1 of the submissions does not count toward it. Last evaluated 2024-07-25.

Conditions:
Hereditary thrombocytopenia and hematologic cancer predisposition syndrome. Identifiers: Orphanet 71290, MedGen CN281654, MONDO:0011071.
Hereditary thrombocytopenia and hematological cancer predisposition syndrome associated with RUNX1. Also called: Familial Platelet Disorder with Propensity to Acute Myelogenous Leukemia; Familial thrombocytopenia with propensity to acute myelogenous leukemia; PLATELET DISORDER, ASPIRIN-LIKE; RUNX1 Familial Platelet Disorder with Associated Myeloid Malignancies. Identifiers: Orphanet 71290, MedGen C1832388, MeSH C563324, MONDO:0100083, OMIM 601399.

Submissions (2):

ClinGen Myeloid Malignancy Variant Curation Expert Panel
Classification: Uncertain significance for Hereditary thrombocytopenia and hematologic cancer predisposition syndrome. Last evaluated: 2024-07-25. Review status: reviewed by expert panel. Criteria: ClinGen MyeloMalig ACMG Specifications v2. Collection method: curation. Allele origin: germline. Inheritance: Autosomal dominant inheritance.
Comment: NM_001754.5(RUNX1):c.1280G>C (p.Arg427Pro) is a missense variant which is completely absent from all population databases with at least 20x coverage for RUNX1 in gnomAD v2.1.1 and v3.1.2 (PM2_supporting). This missense variant has a REVEL score <0.50 (0.499) (BP4). This variant was reported in ClinVar in 2022 by Invitae, but the affected status of the proband is unknown (Variation ID 2089328). In summary, the clinical significance of this variant is uncertain. ACMG/AMP criteria applied, as specified by the Myeloid Malignancy Variant Curation Expert Panel for RUNX1: PM2_supporting, BP4.

Labcorp Genetics (formerly Invitae), Labcorp
Classification: Uncertain significance for Hereditary thrombocytopenia and hematological cancer predisposition syndrome associated with RUNX1. Last evaluated: 2024-04-15. Review status: criteria provided, single submitter. Criteria: Invitae Variant Classification Sherloc (09022015). Collection method: clinical testing. Allele origin: germline. Not counted in ClinVar's aggregate classification.
Comment: This sequence change replaces arginine, which is basic and polar, with proline, which is neutral and non-polar, at codon 427 of the RUNX1 protein (p.Arg427Pro). This variant is not present in population databases (gnomAD no frequency). This variant has not been reported in the literature in individuals affected with RUNX1-related conditions. ClinVar contains an entry for this variant (Variation ID: 2089328). Advanced modeling of protein sequence and biophysical properties (such as structural, functional, and spatial information, amino acid conservation, physicochemical variation, residue mobility, and thermodynamic stability) performed at Invitae indicates that this missense variant is not expected to disrupt RUNX1 protein function with a negative predictive value of 80%. In summary, the available evidence is currently insufficient to determine the role of this variant in disease. Therefore, it has been classified as a Variant of Uncertain Significance.